The following is an entry in ClinVar:

NM_000179.3(MSH6):c.1421del (p.Val474fs)

Gene: MSH6 (mutS homolog 6; plus strand). Cytogenetic location: 2p16.3.
Variant type: Deletion.
Coding change: c.1421del on transcript NM_000179.3 (MANE Select); coding-DNA position 1421, one base deleted (T; older notation c.1421delT).
Protein change: p.Val474fs; shifts the reading frame from valine 474.
Molecular consequence: frameshift variant. On other transcripts: non-coding transcript variant (4), intron variant (1).
Genome position (GRCh38, 1-based): chr2:47,799,404, T deleted. VCF-style (leftmost placement, unchanged base first): chr2-47799403-GT-G. GRCh37 (hg19) VCF-style: chr2-48026542-GT-G.
Other names: c.1031del, p.Val344fs (NM_001281492.2); c.515del, p.Val172fs (NM_001281493.2, NM_001281494.2, NM_001406811.1 and 6 more transcripts); c.1517del, p.Val506fs (NM_001406795.1, NM_001406802.1); c.1421del, p.Val474fs (NM_001406796.1, NM_001406798.1, NM_001406800.1 and 4 more transcripts); c.1124del, p.Val375fs (NM_001406797.1, NM_001406801.1, NM_001406805.1 and 10 more transcripts); c.896del, p.Val299fs (NM_001406799.1, NM_001406806.1, NM_001406807.1); c.1343del, p.Val448fs (NM_001406804.1); c.1427del, p.Val476fs (NM_001406813.1); and 2 more; short protein forms V172fs, V299fs, V344fs, V375fs, V418fs, V448fs, V474fs, V476fs.
Identifiers: ClinVar variation 3904726 (VCV003904726.1).

ClinVar aggregate classification (germline): Pathogenic (1 of 4 stars; one submission).

Conditions:
Lynch syndrome 5 (LYNCH5). Also called: Colorectal cancer, hereditary nonpolyposis, type 5; Hereditary non-polyposis colorectal cancer, type 5. Identifiers: Orphanet 144, MedGen C1833477, MONDO:0013710, OMIM 614350. Disease mechanism: loss of function.

Submission:

Myriad Genetics, Inc.
Classification: Pathogenic for Lynch syndrome 5. Last evaluated: 2025-02-24. Review status: criteria provided, single submitter. Criteria: Myriad Autosomal Dominant, Autosomal Recessive and X-Linked Classification Criteria (2023). Collection method: clinical testing. Allele origin: unknown.
Comment: This variant is considered pathogenic. This variant creates a frameshift predicted to result in premature protein truncation.